The following is an entry in ClinVar:

NM_182943.3(PLOD2):c.1677+243_1677+244insTAAATTAGTTTAGC

Gene: PLOD2 (procollagen-lysine,2-oxoglutarate 5-dioxygenase 2; minus strand). Cytogenetic location: 3q24.
Variant type: Insertion.
Coding change: c.1677+243_1677+244insTAAATTAGTTTAGC on transcript NM_182943.3 (MANE Select); bases 243 to 244 of the intron after coding-DNA position 1677, TAAATTAGTTTAGC inserted.
Molecular consequence: intron variant.
Genome position: GRCh38 VCF-style: chr3-146076538-T-TGCTAAACTAATTTA. GRCh37 (hg19) VCF-style: chr3-145794325-T-TGCTAAACTAATTTA.
Other names: c.1614+243_1614+244insTAAATTAGTTTAGC (NM_000935.3).
Identifiers: ClinVar variation 684306 (VCV000684306.1), dbSNP rs6148118, ClinGen allele CA84504889.

ClinVar aggregate classification (germline): Benign (1 of 4 stars; one submission).

Allele frequency attached by ClinVar (database versions not stated): 1000 Genomes Project 0.95228; 1000 Genomes Project 30x 0.95331.

Submission:

GeneDx
Classification: Benign. Last evaluated: 2018-06-19. Review status: criteria provided, single submitter. Criteria: GeneDx Variant Classification (06012015). Collection method: clinical testing. Allele origin: germline. Affected: yes.
Comment: This variant is considered likely benign or benign based on one or more of the following criteria: it is a conservative change, it occurs at a poorly conserved position in the protein, it is predicted to be benign by multiple in silico algorithms, and/or has population frequency not consistent with disease.